The following is an entry in ClinVar:

ClinVar aggregate classification (germline): Uncertain significance. Review status: criteria provided, multiple submitters, no conflicts (2 of 4 stars). 2 submissions from 2 submitters: Uncertain significance (2). Last evaluated 2024-05-07.

Conditions:
Cardiovascular phenotype. Identifiers: MedGen CN230736.
Hereditary cancer-predisposing syndrome. Also called: Neoplastic Syndromes, Hereditary; Tumor predisposition; Hereditary neoplastic syndrome; Hereditary Cancer Syndrome. Identifiers: Orphanet 140162, MedGen C0027672, MeSH D009386, MONDO:0015356.
Neurofibromatosis, type 1 (NF1). Also called: Peripheral type neurofibromatosis; VON RECKLINGHAUSEN DISEASE; NEUROFIBROMATOSIS, TYPE I, SOMATIC; Neurofibromatosis, type I. Identifiers: Orphanet 636, MedGen C0027831, MONDO:0018975, OMIM 162200. Disease mechanism: loss of function.

Allele frequency attached by ClinVar (database versions not stated): gnomAD exomes below 0.00001; TOPMed below 0.00001; gnomAD 0.00001.
gnomAD v4.1: 4 of 1,613,996 alleles (0.00025%); highest among the groups gnomAD compares: Non-Finnish European, 0.00034%; no homozygotes.

Submissions (2):

Labcorp Genetics (formerly Invitae), Labcorp
Classification: Uncertain significance for Neurofibromatosis, type 1. Last evaluated: 2024-05-07. Review status: criteria provided, single submitter. Criteria: Invitae Variant Classification Sherloc (09022015). Collection method: clinical testing. Allele origin: germline.
Comment: This sequence change replaces lysine, which is basic and polar, with arginine, which is basic and polar, at codon 261 of the NF1 protein (p.Lys261Arg). This variant is not present in population databases (gnomAD no frequency). This variant has not been reported in the literature in individuals affected with NF1-related conditions. ClinVar contains an entry for this variant (Variation ID: 1760794). Advanced modeling of protein sequence and biophysical properties (such as structural, functional, and spatial information, amino acid conservation, physicochemical variation, residue mobility, and thermodynamic stability) has been performed at Invitae for this missense variant, however the output from this modeling did not meet the statistical confidence thresholds required to predict the impact of this variant on NF1 protein function. In summary, the available evidence is currently insufficient to determine the role of this variant in disease. Therefore, it has been classified as a Variant of Uncertain Significance.

Ambry Genetics
Classification: Uncertain significance for Cardiovascular phenotype; Hereditary cancer-predisposing syndrome. Last evaluated: 2022-04-22. Review status: criteria provided, single submitter. Criteria: Ambry Variant Classification Scheme 2023. Collection method: clinical testing. Allele origin: germline.
Comment: The p.K261R variant (also known as c.782A>G), located in coding exon 8 of the NF1 gene, results from an A to G substitution at nucleotide position 782. The lysine at codon 261 is replaced by arginine, an amino acid with highly similar properties. This amino acid position is conserved. In addition, the in silico prediction for this alteration is inconclusive. Since supporting evidence is limited at this time, the clinical significance of this alteration remains unclear.

NM_001042492.3(NF1):c.782A>G (p.Lys261Arg)

Gene: NF1 (neurofibromin 1; plus strand). Cytogenetic location: 17q11.2.
Variant type: single nucleotide variant.
Coding change: c.782A>G on transcript NM_001042492.3 (MANE Select); coding-DNA position 782, A replaced by G.
Protein change: p.Lys261Arg; replaces lysine 261 with arginine.
Molecular consequence: missense variant.
Genome position (GRCh38, 1-based): chr17:31,182,559, A>G. VCF-style: chr17-31182559-A-G. GRCh37 (hg19) VCF-style: chr17-29509577-A-G.
Other names: c.782A>G, p.Lys261Arg (NM_000267.4, NM_001128147.3); short protein forms K261R.
Identifiers: ClinVar variation 1760794 (VCV001760794.4), dbSNP rs2066156863, ClinGen allele CA398990822.
Genomic context (GRCh38, chr17:31,182,559, plus strand): 5'-TTCATGCAGAATGTGCAGAAAAGCTATTTGACTTGGTGGATGGTTTTGCTGAAAGCACCA[A>G]ACGTAAAGCAGCAGTTTGGCCACTACAAATCATTCTCCTTATCTTGTGTCCAGAAATAAT-3'
Protein context (NP_001035957.1, residues 251-271): DLVDGFAEST[Lys261Arg]RKAAVWPLQI